The following is an entry in ClinVar:

NM_020163.3(SEMA3G):c.773C>T (p.Ser258Leu)

Gene: SEMA3G (semaphorin 3G; minus strand). Cytogenetic location: 3p21.1.
Variant type: single nucleotide variant.
Coding change: c.773C>T on transcript NM_020163.3 (MANE Select); coding-DNA position 773, C replaced by T.
Protein change: p.Ser258Leu; replaces serine 258 with leucine.
Molecular consequence: missense variant.
Genome position (GRCh38, 1-based): chr3:52,441,304, G>A on the plus strand (C>T on the coding strand, the complement: SEMA3G is on the minus strand). VCF-style: chr3-52441304-G-A. GRCh37 (hg19) VCF-style: chr3-52475320-G-A.
Other names: short protein forms S258L.
Identifiers: ClinVar variation 3358440 (VCV003358440.1).
Genomic context (GRCh38, chr3:52,441,304, plus strand): 5'-CACCCCTTCCCAGCTCTTACCACGCAGACGCGGCCCACGCGGCTGACAGTGACATGGTTC[G>A]AGCCACCATCGGGCGAGGGGACCGTCTCCGAGAAGAAGAAGTACACCTTGTCATTGTCCT-3'
Protein context (NP_064548.1, residues 248-268): SETVPSPDGG[Ser258Leu]NHVTVSRVGR

ClinVar aggregate classification (germline): Uncertain significance (0 of 4 stars; one submission).

Conditions:
SEMA3G-related disorder. Also called: SEMA3G-related condition.

gnomAD v4.1: 39 of 1,613,520 alleles (0.0024%); highest among the groups gnomAD compares: East Asian, 0.027%; no homozygotes.

Submission:

PreventionGenetics, part of Exact Sciences
Classification: Uncertain significance for SEMA3G-related condition. Last evaluated: 2024-04-03. Review status: no assertion criteria provided. Collection method: clinical testing. Allele origin: germline.
Comment: The SEMA3G c.773C>T variant is predicted to result in the amino acid substitution p.Ser258Leu. To our knowledge, this variant has not been reported in the literature. This variant is reported in 0.016% of alleles in individuals of East Asian descent in gnomAD. At this time, the clinical significance of this variant is uncertain due to the absence of conclusive functional and genetic evidence.